The following is an entry in ClinVar:

NM_002234.4(KCNA5):c.1636C>T (p.Pro546Ser)

Gene: KCNA5 (potassium voltage-gated channel subfamily A member 5; plus strand). Cytogenetic location: 12p13.32.
Variant type: single nucleotide variant.
Coding change: c.1636C>T on transcript NM_002234.4 (MANE Select); coding-DNA position 1636, C replaced by T.
Protein change: p.Pro546Ser; replaces proline 546 with serine.
Molecular consequence: missense variant.
Genome position (GRCh38, 1-based): chr12:5,045,783, C>T. VCF-style: chr12-5045783-C-T. GRCh37 (hg19) VCF-style: chr12-5154949-C-T.
Other names: short protein forms P546S.
Identifiers: ClinVar variation 1023092 (VCV001023092.9), dbSNP rs142289285, ClinGen allele CA6399911.
Genomic context (GRCh38, chr12:5,045,783, plus strand): 5'-GAAACGGATCACGAGGAGCCGGCAGTCCTTAAGGAAGAGCAGGGCACTCAGAGCCAGGGG[C>T]CGGGGCTGGACAGAGGAGTCCAGCGGAAGGTCAGCGGGAGCAGGGGATCCTTCTGCAAGG-3'
Protein context (NP_002225.2, residues 536-556): KEEQGTQSQG[Pro546Ser]GLDRGVQRKV

ClinVar aggregate classification (germline): Uncertain significance (1 of 4 stars; one submission).

Conditions:
Atrial fibrillation, familial, 7 (ATFB7). Identifiers: MedGen C2677106, MONDO:0012828, OMIM 612240.

Allele frequency attached by ClinVar (database versions not stated): gnomAD exomes below 0.00001; ExAC 0.00001; TOPMed 0.00001; gnomAD 0.00004; 1000 Genomes Project 0.00020; 1000 Genomes Project 30x 0.00031.
gnomAD v4.1: 10 of 1,614,094 alleles (0.00062%); highest among the groups gnomAD compares: African/African-American, 0.013%; no homozygotes.

Submission:

Labcorp Genetics (formerly Invitae), Labcorp
Classification: Uncertain significance for Atrial fibrillation, familial, 7. Last evaluated: 2024-06-30. Review status: criteria provided, single submitter. Criteria: Invitae Variant Classification Sherloc (09022015). Collection method: clinical testing. Allele origin: germline.
Comment: This sequence change replaces proline, which is neutral and non-polar, with serine, which is neutral and polar, at codon 546 of the KCNA5 protein (p.Pro546Ser). This variant is present in population databases (rs142289285, gnomAD 0.007%). This variant has not been reported in the literature in individuals affected with KCNA5-related conditions. ClinVar contains an entry for this variant (Variation ID: 1023092). Advanced modeling of protein sequence and biophysical properties (such as structural, functional, and spatial information, amino acid conservation, physicochemical variation, residue mobility, and thermodynamic stability) performed at Invitae indicates that this missense variant is not expected to disrupt KCNA5 protein function with a negative predictive value of 80%. In summary, the available evidence is currently insufficient to determine the role of this variant in disease. Therefore, it has been classified as a Variant of Uncertain Significance.